The following is an entry in ClinVar:

ClinVar aggregate classification (germline): Uncertain significance (1 of 4 stars; one submission).

Allele frequency attached by ClinVar (database versions not stated): ExAC 0.00001; gnomAD 0.00001; TOPMed 0.00001.
gnomAD v4.1: 10 of 1,613,508 alleles (0.00062%); highest among the groups gnomAD compares: African/African-American, 0.0027%; no homozygotes.

Submission:

Ambry Genetics
Classification: Uncertain significance. Last evaluated: 2024-05-16. Review status: criteria provided, single submitter. Criteria: Ambry Variant Classification Scheme 2023. Collection method: clinical testing. Allele origin: germline.
Comment: The p.T924I variant (also known as c.2771C>T), located in coding exon 4 of the ALPK2 gene, results from a C to T substitution at nucleotide position 2771. The threonine at codon 924 is replaced by isoleucine, an amino acid with similar properties. This amino acid position is conserved. In addition, this alteration is predicted to be tolerated by in silico analysis. Since supporting evidence is limited at this time, the clinical significance of this alteration remains unclear.

NM_052947.4(ALPK2):c.2771C>T (p.Thr924Ile)

Gene: ALPK2 (alpha kinase 2; minus strand). Cytogenetic location: 18q21.31.
Variant type: single nucleotide variant.
Coding change: c.2771C>T on transcript NM_052947.4 (MANE Select); coding-DNA position 2771, C replaced by T.
Protein change: p.Thr924Ile; replaces threonine 924 with isoleucine.
Molecular consequence: missense variant.
Genome position (GRCh38, 1-based): chr18:58,537,416, G>A on the plus strand (C>T on the coding strand, the complement: ALPK2 is on the minus strand). VCF-style: chr18-58537416-G-A. GRCh37 (hg19) VCF-style: chr18-56204648-G-A.
Other names: short protein forms T924I.
Identifiers: ClinVar variation 1795814 (VCV001795814.3), dbSNP rs780751627, ClinGen allele CA8977015.